The following is an entry in ClinVar:

ClinVar aggregate classification (germline): Uncertain significance (1 of 4 stars; one submission).

Allele frequency attached by ClinVar (database versions not stated): gnomAD exomes below 0.00001.
gnomAD v4.1: 2 of 1,612,146 alleles (0.00012%); highest among the groups gnomAD compares: Middle Eastern, 0.017%; no homozygotes.

Submission:

Labcorp Genetics (formerly Invitae), Labcorp
Classification: Uncertain significance. Last evaluated: 2021-11-11. Review status: criteria provided, single submitter. Criteria: Invitae Variant Classification Sherloc (09022015). Collection method: clinical testing. Allele origin: germline.
Comment: This sequence change replaces alanine, which is neutral and non-polar, with threonine, which is neutral and polar, at codon 1219 of the MPDZ protein (p.Ala1219Thr). This variant is not present in population databases (gnomAD no frequency). This variant has not been reported in the literature in individuals affected with MPDZ-related conditions. Algorithms developed to predict the effect of missense changes on protein structure and function (SIFT, PolyPhen-2, Align-GVGD) all suggest that this variant is likely to be disruptive. In summary, the available evidence is currently insufficient to determine the role of this variant in disease. Therefore, it has been classified as a Variant of Uncertain Significance.

NM_001378778.1(MPDZ):c.3655G>A (p.Ala1219Thr)

Gene: MPDZ (multiple PDZ domain crumbs cell polarity complex component; minus strand). Cytogenetic location: 9p23.
Variant type: single nucleotide variant.
Coding change: c.3655G>A on transcript NM_001378778.1 (MANE Select); coding-DNA position 3655, G replaced by A.
Protein change: p.Ala1219Thr; replaces alanine 1219 with threonine.
Molecular consequence: missense variant. On other transcripts: intron variant (8).
Genome position (GRCh38, 1-based): chr9:13,147,634, C>T on the plus strand (G>A on the coding strand, the complement: MPDZ is on the minus strand). VCF-style: chr9-13147634-C-T. GRCh37 (hg19) VCF-style: chr9-13147633-C-T.
Other names: c.3655G>A, p.Ala1219Thr (NM_001261406.2, NM_001261407.2, NM_001330637.2 and 6 more transcripts); c.3630+2877G>A (NM_001375425.1, NM_001375420.1, NM_001375423.1 and 4 more transcripts); c.3432+2877G>A (NM_001375427.1); short protein forms A1219T.
Identifiers: ClinVar variation 1392646 (VCV001392646.6), dbSNP rs2132851211, ClinGen allele CA372950547.